The following is an entry in ClinVar:

ClinVar aggregate classification (germline): Likely pathogenic (1 of 4 stars; one submission).

Submission:

CeGaT Center for Human Genetics Tuebingen
Classification: Likely pathogenic. Last evaluated: 2023-03-01. Review status: criteria provided, single submitter. Criteria: CeGaT Center For Human Genetics Tuebingen Variant Classification Criteria Version 2. Collection method: clinical testing. Allele origin: germline. Affected: yes. Observed: 1 variant allele.
Comment: COL2A1: PM1, PM2, PM5, PP2, PP3

NM_001844.5(COL2A1):c.1429G>C (p.Gly477Arg)

Gene: COL2A1 (collagen type II alpha 1 chain; minus strand). Cytogenetic location: 12q13.11.
Variant type: single nucleotide variant.
Coding change: c.1429G>C on transcript NM_001844.5 (MANE Select); coding-DNA position 1429, G replaced by C.
Protein change: p.Gly477Arg; replaces glycine 477 with arginine.
Molecular consequence: missense variant.
Genome position (GRCh38, 1-based): chr12:47,986,434, C>G on the plus strand (G>C on the coding strand, the complement: COL2A1 is on the minus strand). VCF-style: chr12-47986434-C-G. GRCh37 (hg19) VCF-style: chr12-48380217-C-G.
Other names: c.1222G>C, p.Gly408Arg (NM_033150.3); short protein forms G408R, G477R.
Identifiers: ClinVar variation 2498555 (VCV002498555.28), dbSNP rs2540149322, ClinGen allele CA384552933.